The following is an entry in ClinVar:

NM_001128228.3(TPRN):c.1725+10G>C

Gene: TPRN (taperin; minus strand). Cytogenetic location: 9q34.3.
Variant type: single nucleotide variant.
Coding change: c.1725+10G>C on transcript NM_001128228.3 (MANE Select); 10 bases into the intron after coding-DNA position 1725, G replaced by C.
Molecular consequence: intron variant.
Genome position (GRCh38, 1-based): chr9:137,198,977, C>G on the plus strand (G>C on the coding strand, the complement: TPRN is on the minus strand). VCF-style: chr9-137198977-C-G. GRCh37 (hg19) VCF-style: chr9-140093429-C-G.
Identifiers: ClinVar variation 508636 (VCV000508636.10), dbSNP rs79139547, ClinGen allele CA5362669.

ClinVar aggregate classification (germline): Benign. Review status: criteria provided, multiple submitters, no conflicts (2 of 4 stars). 2 submissions from 2 submitters: Benign (2). Last evaluated 2026-01-19.

Allele frequency attached by ClinVar (database versions not stated): gnomAD 0.01622 and 0.01732; TOPMed 0.01810; ESP Exome Variant Server 0.01899; 1000 Genomes Project 0.01937; 1000 Genomes Project 30x 0.01983.
gnomAD v4.1: 5,079 of 1,612,698 alleles (0.31%); highest among the groups gnomAD compares: African/African-American, 5.5%; 137 homozygotes.

Submissions (2):

Labcorp Genetics (formerly Invitae), Labcorp
Classification: Benign. Last evaluated: 2026-01-19. Review status: criteria provided, single submitter. Criteria: Invitae Variant Classification Sherloc (09022015). Collection method: clinical testing. Allele origin: germline.

GeneDx
Classification: Benign. Last evaluated: 2017-10-20. Review status: criteria provided, single submitter. Criteria: GeneDx Variant Classification (06012015). Collection method: clinical testing. Allele origin: germline. Affected: yes.
Comment: This variant is considered likely benign or benign based on one or more of the following criteria: it is a conservative change, it occurs at a poorly conserved position in the protein, it is predicted to be benign by multiple in silico algorithms, and/or has population frequency not consistent with disease.